The following is an entry in ClinVar:

NM_173630.4(RTTN):c.1355A>G (p.Tyr452Cys)

Gene: RTTN (rotatin; minus strand). Cytogenetic location: 18q22.2.
Variant type: single nucleotide variant.
Coding change: c.1355A>G on transcript NM_173630.4 (MANE Select); coding-DNA position 1355, A replaced by G.
Protein change: p.Tyr452Cys; replaces tyrosine 452 with cysteine.
Molecular consequence: missense variant. On other transcripts: 5 prime UTR variant (1).
Genome position (GRCh38, 1-based): chr18:70,176,796, T>C on the plus strand (A>G on the coding strand, the complement: RTTN is on the minus strand). VCF-style: chr18-70176796-T-C. GRCh37 (hg19) VCF-style: chr18-67844032-T-C.
Other names: c.-1199A>G (NM_001318520.2); short protein forms Y452C.
Identifiers: ClinVar variation 1922235 (VCV001922235.5), dbSNP rs754287552, ClinGen allele CA8996198.

ClinVar aggregate classification (germline): Uncertain significance (1 of 4 stars; one submission).

Allele frequency attached by ClinVar (database versions not stated): gnomAD 0.00001; gnomAD exomes 0.00001; TOPMed 0.00001; ExAC 0.00002.
gnomAD v4.1: 22 of 1,613,942 alleles (0.0014%); highest among the groups gnomAD compares: South Asian, 0.0066%; no homozygotes.

Submission:

Labcorp Genetics (formerly Invitae), Labcorp
Classification: Uncertain significance. Last evaluated: 2025-12-08. Review status: criteria provided, single submitter. Criteria: Invitae Variant Classification Sherloc (09022015). Collection method: clinical testing. Allele origin: germline.
Comment: This sequence change replaces tyrosine, which is neutral and polar, with cysteine, which is neutral and slightly polar, at codon 452 of the RTTN protein (p.Tyr452Cys). This variant is present in population databases (rs754287552, gnomAD 0.01%). This variant has not been reported in the literature in individuals affected with RTTN-related conditions. ClinVar contains an entry for this variant (Variation ID: 1922235). Invitae Evidence Modeling of protein sequence and biophysical properties (such as structural, functional, and spatial information, amino acid conservation, physicochemical variation, residue mobility, and thermodynamic stability) has been performed for this missense variant. However, the output from this modeling did not meet the statistical confidence thresholds required to predict the impact of this variant on RTTN protein function. In summary, the available evidence is currently insufficient to determine the role of this variant in disease. Therefore, it has been classified as a Variant of Uncertain Significance.